The following is an entry in ClinVar:

NM_001348716.2(KDM6B):c.3249T>C (p.Gly1083=)

Gene: KDM6B (lysine demethylase 6B; plus strand). Cytogenetic location: 17p13.1.
Variant type: single nucleotide variant.
Coding change: c.3249T>C on transcript NM_001348716.2 (MANE Select); coding-DNA position 3249, T replaced by C.
Protein change: p.Gly1083=; no amino-acid change (glycine 1083 retained).
Molecular consequence: synonymous variant.
Genome position (GRCh38, 1-based): chr17:7,849,537, T>C. VCF-style: chr17-7849537-T-C. GRCh37 (hg19) VCF-style: chr17-7752855-T-C.
Other names: c.3249T>C, p.Gly1083= (NM_001080424.2).
Identifiers: ClinVar variation 2647410 (VCV002647410.24), dbSNP rs2544529092, ClinGen allele CA497948034.

ClinVar aggregate classification (germline): Likely benign (1 of 4 stars; one submission).

Submission:

CeGaT Center for Human Genetics Tuebingen
Classification: Likely benign. Last evaluated: 2023-01-01. Review status: criteria provided, single submitter. Criteria: CeGaT Center For Human Genetics Tuebingen Variant Classification Criteria Version 2. Collection method: clinical testing. Allele origin: germline. Affected: yes. Observed: 1 variant allele.
Comment: KDM6B: PM2:Supporting, BP4, BP7